The following is an entry in ClinVar:

NM_021005.4(NR2F2):c.589G>T (p.Gly197Cys)

Gene: NR2F2 (nuclear receptor subfamily 2 group F member 2; plus strand). Cytogenetic location: 15q26.2.
Variant type: single nucleotide variant.
Coding change: c.589G>T on transcript NM_021005.4 (MANE Select); coding-DNA position 589, G replaced by T.
Protein change: p.Gly197Cys; replaces glycine 197 with cysteine.
Molecular consequence: missense variant.
Genome position (GRCh38, 1-based): chr15:96,334,222, G>T. VCF-style: chr15-96334222-G-T. GRCh37 (hg19) VCF-style: chr15-96877451-G-T.
Other names: c.190G>T, p.Gly64Cys (NM_001145155.2); c.130G>T, p.Gly44Cys (NM_001145156.1, NM_001145157.2); short protein forms G197C, G44C, G64C.
Identifiers: ClinVar variation 4086786 (VCV004086786.1).

ClinVar aggregate classification (germline): Uncertain significance (1 of 4 stars; one submission).

Submission:

GeneDx
Classification: Uncertain significance. Last evaluated: 2025-03-20. Review status: criteria provided, single submitter. Criteria: GeneDx Variant Classification Process June 2021. Collection method: clinical testing. Allele origin: germline. Affected: yes.
Comment: Not observed at significant frequency in large population cohorts (gnomAD); In silico analysis supports that this missense variant has a deleterious effect on protein structure/function; Has not been previously published as pathogenic or benign to our knowledge